The following is an entry in ClinVar:

ClinVar aggregate classification (germline): Pathogenic (1 of 4 stars; one submission).

Submission:

Labcorp Genetics (formerly Invitae), Labcorp
Classification: Pathogenic. Last evaluated: 2023-05-15. Review status: criteria provided, single submitter. Criteria: Invitae Variant Classification Sherloc (09022015). Collection method: clinical testing. Allele origin: germline.
Comment: For these reasons, this variant has been classified as Pathogenic. This variant has not been reported in the literature in individuals affected with FRAS1-related conditions. This variant is not present in population databases (gnomAD no frequency). This sequence change creates a premature translational stop signal (p.Ser546Alafs*151) in the FRAS1 gene. It is expected to result in an absent or disrupted protein product. Loss-of-function variants in FRAS1 are known to be pathogenic (PMID: 12766769, 18671281).

Literature cited by the submitters: PubMed 12766769; PubMed 18671281.

NM_025074.7(FRAS1):c.1636del (p.Ser546fs)

Gene: FRAS1 (Fraser extracellular matrix complex subunit 1; plus strand). Cytogenetic location: 4q21.21.
Variant type: Deletion.
Coding change: c.1636del on transcript NM_025074.7 (MANE Select); coding-DNA position 1636, one base deleted (A; older notation c.1636delA).
Protein change: p.Ser546fs; shifts the reading frame from serine 546.
Molecular consequence: frameshift variant.
Genome position (GRCh38, 1-based): chr4:78,308,167, A deleted. VCF-style (leftmost placement, unchanged base first): chr4-78308166-CA-C. GRCh37 (hg19) VCF-style: chr4-79229320-CA-C.
Other names: c.1636del, p.Ser546fs (NM_001166133.2); short protein forms S546fs.
Identifiers: ClinVar variation 2864322 (VCV002864322.3), dbSNP rs2476746244, ClinGen allele CA2739270106.